The following is an entry in ClinVar:

ClinVar aggregate classification (germline): Pathogenic. Review status: criteria provided, single submitter (1 of 4 stars). 2 submissions from 1 submitter: Pathogenic (2). Last evaluated 2021-06-10.

Conditions:
ARID1B-related BAFopathy.
Coffin-Siris syndrome 1 (CSS1). Also called: Mental retardation, autosomal dominant 12; ARID1B-Related Coffin-Siris Syndrome. Identifiers: Orphanet 1465, MedGen C3281201, MONDO:0007617, OMIM 135900. Disease mechanism: gain of function.

Submissions (2):

Baylor Genetics
Classification: Pathogenic for ARID1B-related BAFopathy. Last evaluated: 2021-06-10. Review status: criteria provided, single submitter. Criteria: ACMG Guidelines, 2015. Collection method: clinical testing. Allele origin: de novo. Affected: yes.

Baylor Genetics
Classification: Pathogenic for Coffin-Siris syndrome 1. Last evaluated: 2017-09-01. Review status: criteria provided, single submitter. Criteria: ACMG Guidelines, 2015. Collection method: clinical testing. Allele origin: de novo. Inheritance: Autosomal dominant inheritance. Affected: yes.
Comment: This nonsense mutation is categorized as deleterious according to ACMG guidelines (PMID:18414213).

Literature cited by the submitters: PubMed 25326635.

NM_001374828.1(ARID1B):c.4905G>A (p.Trp1635Ter)

Gene: ARID1B (AT-rich interaction domain 1B; plus strand). Cytogenetic location: 6q25.3.
Variant type: single nucleotide variant.
Coding change: c.4905G>A on transcript NM_001374828.1 (MANE Select); coding-DNA position 4905, G replaced by A.
Protein change: p.Trp1635Ter; replaces tryptophan 1635 with a stop codon.
Molecular consequence: nonsense.
Genome position (GRCh38, 1-based): chr6:157,201,130, G>A. VCF-style: chr6-157201130-G-A. GRCh37 (hg19) VCF-style: chr6-157522264-G-A.
Other names: c.4536G>A, p.Trp1512Ter (NM_020732.3); c.2406G>A, p.Trp802Ter (NM_001363725.2); c.4785G>A, p.Trp1595Ter (NM_001371656.1, NM_001374820.1); c.4746G>A, p.Trp1582Ter (NM_017519.3); short protein forms W1512*, W802*, W1582*, W1595*, W1635*.
Identifiers: ClinVar variation 560952 (VCV000560952.3), dbSNP rs1554235834, ClinGen allele CA366242069.